The following is an entry in ClinVar:

ClinVar aggregate classification (germline): Uncertain significance. Review status: criteria provided, multiple submitters, no conflicts (2 of 4 stars). 2 submissions from 2 submitters: Uncertain significance (2). Last evaluated 2025-11-20.

Conditions:
Hereditary cancer-predisposing syndrome. Also called: Neoplastic Syndromes, Hereditary; Hereditary Cancer Syndrome; Hereditary neoplastic syndrome; Tumor predisposition. Identifiers: Orphanet 140162, MedGen C0027672, MeSH D009386, MONDO:0015356.
Familial adenomatous polyposis 1 (FAP1). Also called: FAMILIAL ADENOMATOUS POLYPOSIS 1, ATTENUATED; POLYPOSIS, ADENOMATOUS INTESTINAL. Identifiers: MedGen C2713442, MONDO:0021056, OMIM 175100. Disease mechanism: loss of function.

Submissions (2):

Ambry Genetics
Classification: Uncertain significance for Hereditary cancer-predisposing syndrome. Last evaluated: 2025-11-20. Review status: criteria provided, single submitter. Criteria: Ambry Variant Classification Scheme 2023. Collection method: clinical testing. Allele origin: germline.
Comment: The p.A2388V variant (also known as c.7163C>T), located in coding exon 15 of the APC gene, results from a C to T substitution at nucleotide position 7163. The alanine at codon 2388 is replaced by valine, an amino acid with similar properties. This amino acid position is poorly conserved in available vertebrate species. In addition, in silico predictors for this gene do not accurately predict pathogenicity. Missense alterations in APC are not a common cause of disease (Spier I et al. Genet Med. 2024 Feb;26(2):100992). Based on the available evidence, the clinical significance of this variant remains unclear.

Labcorp Genetics (formerly Invitae), Labcorp
Classification: Uncertain significance for Familial adenomatous polyposis 1. Last evaluated: 2021-12-17. Review status: criteria provided, single submitter. Criteria: Invitae Variant Classification Sherloc (09022015). Collection method: clinical testing. Allele origin: germline.
Comment: In summary, the available evidence is currently insufficient to determine the role of this variant in disease. Therefore, it has been classified as a Variant of Uncertain Significance. Algorithms developed to predict the effect of sequence changes on RNA splicing suggest that this variant may create or strengthen a splice site. Algorithms developed to predict the effect of missense changes on protein structure and function output the following: SIFT: "Tolerated"; PolyPhen-2: "Benign"; Align-GVGD: "Class C0". The valine amino acid residue is found in multiple mammalian species, which suggests that this missense change does not adversely affect protein function. This variant has not been reported in the literature in individuals affected with APC-related conditions. This variant is not present in population databases (gnomAD no frequency). This sequence change replaces alanine, which is neutral and non-polar, with valine, which is neutral and non-polar, at codon 2388 of the APC protein (p.Ala2388Val).

NM_000038.6(APC):c.7163C>T (p.Ala2388Val)

Gene: APC (APC regulator of Wnt signaling pathway; plus strand). Cytogenetic location: 5q22.2.
Variant type: single nucleotide variant.
Coding change: c.7163C>T on transcript NM_000038.6 (MANE Select); coding-DNA position 7163, C replaced by T.
Protein change: p.Ala2388Val; replaces alanine 2388 with valine.
Molecular consequence: missense variant.
Genome position (GRCh38, 1-based): chr5:112,842,757, C>T. VCF-style: chr5-112842757-C-T. GRCh37 (hg19) VCF-style: chr5-112178454-C-T.
Other names: c.7163C>T, p.Ala2388Val (NM_001127510.3, NM_001354895.2, NM_001407450.1); c.7109C>T, p.Ala2370Val (NM_001127511.3); c.7217C>T, p.Ala2406Val (NM_001354896.2, NM_001407447.1, NM_001407448.1 and 1 more transcripts); c.7193C>T, p.Ala2398Val (NM_001354897.2); c.7088C>T, p.Ala2363Val (NM_001354898.2); c.7079C>T, p.Ala2360Val (NM_001354899.2); c.7040C>T, p.Ala2347Val (NM_001354900.2); c.6986C>T, p.Ala2329Val (NM_001354901.2, NM_001407453.1); and 12 more; short protein forms A2105V, A2259V, A2305V, A2363V, A2378V, A2398V, A2228V, A2360V.
Identifiers: ClinVar variation 2045196 (VCV002045196.6), dbSNP rs2149981270, ClinGen allele CA16036933.